The following is an entry in ClinVar:

ClinVar aggregate classification (germline): Pathogenic. Review status: criteria provided, multiple submitters, no conflicts (2 of 4 stars). 3 submissions from 3 submitters: Pathogenic (3). Last evaluated 2024-09-21.

Conditions:
Juvenile polyposis syndrome (JPS). Identifiers: Orphanet 2929, MedGen C0345893, MONDO:0017380, OMIM 174900.
Familial thoracic aortic aneurysm and aortic dissection (TAAD). Also called: Thoracic aortic aneurysms and dissections. Identifiers: Orphanet 91387, MedGen C4707243, MONDO:0019625.
Hereditary cancer-predisposing syndrome. Also called: Tumor predisposition; Neoplastic Syndromes, Hereditary; Hereditary Cancer Syndrome; Hereditary neoplastic syndrome. Identifiers: Orphanet 140162, MedGen C0027672, MeSH D009386, MONDO:0015356.

Submissions (3):

Labcorp Genetics (formerly Invitae), Labcorp
Classification: Pathogenic for Juvenile polyposis syndrome. Last evaluated: 2024-09-21. Review status: criteria provided, single submitter. Criteria: Invitae Variant Classification Sherloc (09022015). Collection method: clinical testing. Allele origin: germline.
Comment: This sequence change creates a premature translational stop signal (p.Lys88Ilefs*14) in the SMAD4 gene. It is expected to result in an absent or disrupted protein product. Loss-of-function variants in SMAD4 are known to be pathogenic (PMID: 16152648, 16436638, 22810475). This variant is not present in population databases (gnomAD no frequency). This premature translational stop signal has been observed in individual(s) with juvenile polyposis (PMID: 24525918). ClinVar contains an entry for this variant (Variation ID: 405496). For these reasons, this variant has been classified as Pathogenic.

Ambry Genetics
Classification: Pathogenic for Hereditary cancer-predisposing syndrome; Familial thoracic aortic aneurysm and aortic dissection. Last evaluated: 2024-02-02. Review status: criteria provided, single submitter. Criteria: Ambry Variant Classification Scheme 2023. Collection method: clinical testing. Allele origin: germline.
Comment: The c.263_267delAAGGA pathogenic mutation, located in coding exon 2 of the SMAD4 gene, results from a deletion of 5 nucleotides at nucleotide positions 263 to 267, causing a translational frameshift with a predicted alternate stop codon (p.K88Ifs*14). This alteration has been reported in families with juvenile polyposis syndrome (JPS) (Wain KE et al. Genet Med, 2014 Aug;16:588-93). This variant is considered to be rare based on population cohorts in the Genome Aggregation Database (gnomAD). This alteration is expected to result in loss of function by premature protein truncation or nonsense-mediated mRNA decay. As such, this alteration is interpreted as a disease-causing mutation.

Mayo Clinic Laboratories, Mayo Clinic
Classification: Pathogenic. Last evaluated: 2020-11-25. Review status: criteria provided, single submitter. Criteria: ACMG Guidelines, 2015. Collection method: clinical testing. Allele origin: germline. Observed: 1 variant allele.
Comment: PVS1, PM2, PS4 moderate

Literature cited by the submitters: PubMed 16152648 (cited by Labcorp Genetics (formerly Invitae), Labcorp); PubMed 16436638 (cited by Labcorp Genetics (formerly Invitae), Labcorp); PubMed 22810475 (cited by Labcorp Genetics (formerly Invitae), Labcorp); PubMed 24525918 (cited by Labcorp Genetics (formerly Invitae), Labcorp and Mayo Clinic Laboratories, Mayo Clinic); PubMed 31645765 (cited by Mayo Clinic Laboratories, Mayo Clinic).

NM_005359.6(SMAD4):c.263_267del (p.Lys88fs)

Gene: SMAD4 (SMAD family member 4; plus strand). Cytogenetic location: 18q21.2.
Variant type: Deletion.
Coding change: c.263_267del on transcript NM_005359.6 (MANE Select); coding-DNA positions 263 to 267, 5 bases deleted (AAGGA; older notation c.263_267delAAGGA).
Protein change: p.Lys88fs; shifts the reading frame from lysine 88.
Molecular consequence: frameshift variant.
Genome position (GRCh38, 1-based): chr18:51,048,699-51,048,703, AAGGA deleted; deleting any 5 consecutive bases within chr18:51,048,696-51,048,703 gives the same sequence; the c. name uses the placement nearest the transcript's 3' end. VCF-style (leftmost placement, unchanged base first): chr18-51048695-CGGAAA-C. GRCh37 (hg19) VCF-style: chr18-48575065-CGGAAA-C.
Other names: c.263_267del5 (NM_005359.5); c.263_267delAAGGA (NM_005359.5).
Identifiers: ClinVar variation 405496 (VCV000405496.16), dbSNP rs1060500739, ClinGen allele CA16615823.